The following is an entry in ClinVar:

ClinVar aggregate classification (germline): Uncertain significance (1 of 4 stars; one submission).

gnomAD v4.1: 1 of 1,205,295 alleles (0.000083%); highest among the groups gnomAD compares: African/African-American, 0.0018%; no homozygotes.

Submissions (3):

GeneDx
Classification: Uncertain significance. Last evaluated: 2025-06-04. Review status: criteria provided, single submitter. Criteria: GeneDx Variant Classification Process June 2021. Collection method: clinical testing. Allele origin: germline. Affected: yes.
Comment: Not observed at significant frequency in large population cohorts (gnomAD); In silico analysis supports a deleterious effect on splicing; Has not been previously published as pathogenic or benign to our knowledge

Dr. Peter K. Rogan Lab, Western University
No classification provided (evidence only). Condition: Ovarian serous cystadenocarcinoma. Review status: no classification provided. Collection method: in vitro. Allele origin: not applicable. Functional consequence: retained intron. Not counted in ClinVar's aggregate classification.

Dr. Peter K. Rogan Lab, Western University
No classification provided (evidence only). Condition: Ovarian serous cystadenocarcinoma. Review status: no classification provided. Collection method: in vitro. Allele origin: not applicable. Functional consequence: retained intron. Not counted in ClinVar's aggregate classification.

NM_001081550.2(THOC2):c.4755-13A>G

Gene: THOC2 (THO complex subunit 2; minus strand). Cytogenetic location: Xq25.
Variant type: single nucleotide variant.
Coding change: c.4755-13A>G on transcript NM_001081550.2 (MANE Select); 13 bases into the intron before coding-DNA position 4755, A replaced by G.
Molecular consequence: intron variant.
Genome position (GRCh38, 1-based): chrX:123,610,976, T>C on the plus strand (A>G on the coding strand, the complement: THOC2 is on the minus strand). VCF-style: chrX-123610976-T-C. GRCh37 (hg19) VCF-style: chrX-122744827-T-C.
Other names: NC_000023.10:g.122744827T>C; c.4755-13A>G (NM_001441236.1); c.4836-13A>G (NM_001441235.1).
Identifiers: ClinVar variation 4468203 (VCV004468203.2).
Genomic context (GRCh38, chrX:123,610,976, plus strand): 5'-ACCTTGATGGAAAGTCTTCATTATCTGTGCTTGTCCGAGGACTTATGAGTAGATGACAAA[T>C]TAAGGGAAAACAACTTTTGGGAATGGCGGAAAGAACAGCATCTCCCCTTTTAGTACAGCA-3'